The following is an entry in ClinVar:

NM_017777.4(MKS1):c.64C>A (p.Arg22Ser)

Genes: MKS1 (MKS transition zone complex subunit 1; minus strand), LOC130061271 (ATAC-STARR-seq lymphoblastoid active region 12461; plus strand). Cytogenetic location: 17q22.
Variant type: single nucleotide variant.
Coding change: c.64C>A on transcript NM_017777.4 (MANE Select); coding-DNA position 64, C replaced by A.
Protein change: p.Arg22Ser; replaces arginine 22 with serine.
Molecular consequence: missense variant. On other transcripts: 5 prime UTR variant (1).
Genome position (GRCh38, 1-based): chr17:58,219,167, G>T on the plus strand (C>A on the coding strand, the complement: MKS1 is on the minus strand). VCF-style: chr17-58219167-G-T. GRCh37 (hg19) VCF-style: chr17-56296528-G-T.
Other names: c.-448C>A (NM_001321268.2); c.64C>A, p.Arg22Ser (NM_001321269.2, NM_001330397.2); short protein forms R22S.
Identifiers: ClinVar variation 461764 (VCV000461764.11), dbSNP rs1031187314, ClinGen allele CA292016708.
Genomic context (GRCh38, chr17:58,219,167, plus strand): 5'-GGACACAAAAGCATGGGGCCTCGGGGCTGGGGCGGTGCGACTACCGGAGGCGCAAGTTGC[G>T]CACGGGGTCCCGGGAGCGATACACTGCCTCCCCGGTGTCAGTGCTCCAGACGGTCTCCGC-3'
Protein context (NP_060247.2, residues 12-32): EAVYRSRDPV[Arg22Ser]NLRLRVHLQR

ClinVar aggregate classification (germline): Uncertain significance (1 of 4 stars; one submission).

Conditions:
Meckel-Gruber syndrome. Also called: DYSENCEPHALIA SPLANCHNOCYSTICA; GRUBER SYNDROME; Dysencephalia splachnocystica. Identifiers: Orphanet 564, MedGen C0265215, MONDO:0018921.
Joubert syndrome. Also called: CEREBELLOPARENCHYMAL DISORDER IV; JOUBERT-BOLTSHAUSER SYNDROME; Familial aplasia of the vermis. Identifiers: Orphanet 475, MedGen C5979921, MONDO:0018772.

Allele frequency attached by ClinVar (database versions not stated): TOPMed below 0.00001; gnomAD 0.00001.
gnomAD v4.1: 4 of 1,551,158 alleles (0.00026%); highest among the groups gnomAD compares: African/African-American, 0.0027%; no homozygotes.

Submission:

Labcorp Genetics (formerly Invitae), Labcorp
Classification: Uncertain significance for Joubert syndrome; Meckel-Gruber syndrome. Last evaluated: 2024-02-24. Review status: criteria provided, single submitter. Criteria: Invitae Variant Classification Sherloc (09022015). Collection method: clinical testing. Allele origin: germline.
Comment: This sequence change replaces arginine, which is basic and polar, with serine, which is neutral and polar, at codon 22 of the MKS1 protein (p.Arg22Ser). This variant is not present in population databases (gnomAD no frequency). This variant has not been reported in the literature in individuals affected with MKS1-related conditions. ClinVar contains an entry for this variant (Variation ID: 461764). Advanced modeling of protein sequence and biophysical properties (such as structural, functional, and spatial information, amino acid conservation, physicochemical variation, residue mobility, and thermodynamic stability) performed at Invitae indicates that this missense variant is not expected to disrupt MKS1 protein function with a negative predictive value of 80%. Algorithms developed to predict the effect of sequence changes on RNA splicing suggest that this variant may create or strengthen a splice site. In summary, the available evidence is currently insufficient to determine the role of this variant in disease. Therefore, it has been classified as a Variant of Uncertain Significance.